The following is an entry in ClinVar:

NM_207352.4(CYP4V2):c.1163C>T (p.Thr388Ile)

Gene: CYP4V2 (cytochrome P450 family 4 subfamily V member 2; plus strand). Cytogenetic location: 4q35.2.
Variant type: single nucleotide variant.
Coding change: c.1163C>T on transcript NM_207352.4 (MANE Select); coding-DNA position 1163, C replaced by T.
Protein change: p.Thr388Ile; replaces threonine 388 with isoleucine.
Molecular consequence: missense variant.
Genome position (GRCh38, 1-based): chr4:186,208,937, C>T. VCF-style: chr4-186208937-C-T. GRCh37 (hg19) VCF-style: chr4-187130091-C-T.
Other names: short protein forms T388I.
Identifiers: ClinVar variation 4772701 (VCV004772701.2).
Genomic context (GRCh38, chr4:186,208,937, plus strand): 5'-GTCCCGCTACAGTAGAAGACCTGAAGAAACTTCGGTATCTGGAATGTGTTATTAAGGAGA[C>T]CCTTCGCCTTTTTCCTTCTGTTCCTTTATTTGCCCGTAGTGTTAGTGAAGATTGTGAAGT-3'
Protein context (NP_997235.3, residues 378-398): LRYLECVIKE[Thr388Ile]LRLFPSVPLF

ClinVar aggregate classification (germline): Uncertain significance. Review status: criteria provided, multiple submitters, no conflicts (2 of 4 stars). 2 submissions from 2 submitters: Uncertain significance (2). Last evaluated 2025-04-02.

gnomAD v4.1: 3 of 1,614,176 alleles (0.00019%); highest among the groups gnomAD compares: Non-Finnish European, 0.00025%; no homozygotes.

Submissions (2):

Labcorp Genetics (formerly Invitae), Labcorp
Classification: Uncertain significance. Last evaluated: 2025-04-02. Review status: criteria provided, single submitter. Criteria: Invitae Variant Classification Sherloc (09022015). Collection method: clinical testing. Allele origin: germline.
Comment: This sequence change replaces threonine, which is neutral and polar, with isoleucine, which is neutral and non-polar, at codon 388 of the CYP4V2 protein (p.Thr388Ile). This variant is present in population databases (rs764267035, gnomAD 0.002%). This variant has not been reported in the literature in individuals affected with CYP4V2-related conditions. Invitae Evidence Modeling of protein sequence and biophysical properties (such as structural, functional, and spatial information, amino acid conservation, physicochemical variation, residue mobility, and thermodynamic stability) has been performed for this missense variant. However, the output from this modeling did not meet the statistical confidence thresholds required to predict the impact of this variant on CYP4V2 protein function. In summary, the available evidence is currently insufficient to determine the role of this variant in disease. Therefore, it has been classified as a Variant of Uncertain Significance.

Blueprint Genetics
Classification: Uncertain significance. Last evaluated: 2023-02-22. Review status: criteria provided, single submitter. Criteria: ACMG Guidelines, 2015. Collection method: clinical testing. Allele origin: germline.